The following is an entry in ClinVar:

ClinVar aggregate classification (germline): Benign/Likely benign. Review status: criteria provided, multiple submitters, no conflicts (2 of 4 stars). 3 submissions from 3 submitters: Benign (2); Likely benign (1). Last evaluated 2025-01-01.

Conditions:
Autosomal dominant striatal neurodegeneration type 1. Identifiers: Orphanet 228169, MedGen C4310808, MONDO:0012205, OMIM 609161.

Allele frequency attached by ClinVar (database versions not stated): gnomAD 0.00043 and 0.00041; gnomAD exomes 0.00053 and 0.00036; ExAC 0.00063; TOPMed 0.00019; ESP Exome Variant Server 0.00031.
gnomAD v4.1: 578 of 1,614,054 alleles (0.036%); highest among the groups gnomAD compares: Non-Finnish European, 0.032%; no homozygotes.

Submissions (3):

Labcorp Genetics (formerly Invitae), Labcorp
Classification: Benign. Last evaluated: 2025-01-01. Review status: criteria provided, single submitter. Criteria: Invitae Variant Classification Sherloc (09022015). Collection method: clinical testing. Allele origin: germline.

Blueprint Genetics
Classification: Likely benign. Last evaluated: 2024-08-20. Review status: criteria provided, single submitter. Criteria: ACMG Guidelines, 2015. Collection method: clinical testing. Allele origin: germline.

Illumina Laboratory Services, Illumina
Classification: Benign for Autosomal dominant striatal neurodegeneration type 1. Last evaluated: 2018-01-13. Review status: criteria provided, single submitter. Criteria: ICSL Variant Classification Criteria 13 December 2019. Collection method: clinical testing. Allele origin: germline.
Comment: This variant was observed in the ICSL laboratory as part of a predisposition screen in an ostensibly healthy population. It had not been previously curated by ICSL or reported in the Human Gene Mutation Database (HGMD: prior to June 1st, 2018), and was therefore a candidate for classification through an automated scoring system. Utilizing variant allele frequency, disease prevalence and penetrance estimates, and inheritance mode, an automated score was calculated to assess if this variant is too frequent to cause the disease. Based on the score and internal cut-off values, a variant classified as benign is not then subjected to further curation. The score for this variant resulted in a classification of benign for this disease.

NM_003719.5(PDE8B):c.2055G>A (p.Glu685=)

Gene: PDE8B (phosphodiesterase 8B; plus strand). Cytogenetic location: 5q13.3.
Variant type: single nucleotide variant.
Coding change: c.2055G>A on transcript NM_003719.5 (MANE Select); coding-DNA position 2055, G replaced by A.
Protein change: p.Glu685=; no amino-acid change (glutamic acid 685 retained).
Molecular consequence: synonymous variant.
Genome position (GRCh38, 1-based): chr5:77,418,372, G>A. VCF-style: chr5-77418372-G-A. GRCh37 (hg19) VCF-style: chr5-76714197-G-A.
Other names: c.1764G>A, p.Glu588= (NM_001029851.4); c.1890G>A, p.Glu630= (NM_001029852.4); c.1995G>A, p.Glu665= (NM_001029853.4); c.1914G>A, p.Glu638= (NM_001029854.4); c.2052G>A, p.Glu684= (NM_001349748.3, NM_001349751.3); c.2118G>A, p.Glu706= (NM_001349749.3); c.1815G>A, p.Glu605= (NM_001349750.3); c.1749G>A, p.Glu583= (NM_001349752.3); and 12 more.
Identifiers: ClinVar variation 722643 (VCV000722643.13), dbSNP rs146449408, ClinGen allele CA3315404.